The following is an entry in ClinVar:

NM_004360.5(CDH1):c.454_457del (p.Gln152fs)

Gene: CDH1 (cadherin 1; plus strand). Cytogenetic location: 16q22.1.
Variant type: Deletion.
Coding change: c.454_457del on transcript NM_004360.5 (MANE Select); coding-DNA positions 454 to 457, 4 bases deleted (CAGA; older notation c.454_457delCAGA).
Protein change: p.Gln152fs; shifts the reading frame from glutamine 152.
Molecular consequence: frameshift variant. On other transcripts: 5 prime UTR variant (2).
Genome position (GRCh38, 1-based): chr16:68,808,490-68,808,493, CAGA deleted; deleting any 4 consecutive bases within chr16:68,808,487-68,808,493 gives the same sequence; the c. name uses the placement nearest the transcript's 3' end. VCF-style (leftmost placement, unchanged base first): chr16-68808486-AAGAC-A. GRCh37 (hg19) VCF-style: chr16-68842389-AAGAC-A.
Other names: c.454_457del, p.Gln152fs (NM_001317184.2); c.-1162_-1159del (NM_001317185.2); c.-1366_-1363del (NM_001317186.2); short protein forms Q152fs.
Identifiers: ClinVar variation 3224183 (VCV003224183.1), dbSNP rs2543914633, ClinGen allele CA2825002445.

ClinVar aggregate classification (germline): Pathogenic (1 of 4 stars; one submission).

Conditions:
Hereditary cancer-predisposing syndrome. Also called: Tumor predisposition; Hereditary neoplastic syndrome; Hereditary Cancer Syndrome; Neoplastic Syndromes, Hereditary. Identifiers: Orphanet 140162, MedGen C0027672, MeSH D009386, MONDO:0015356.

Submission:

Ambry Genetics
Classification: Pathogenic for Hereditary cancer-predisposing syndrome. Last evaluated: 2024-02-27. Review status: criteria provided, single submitter. Criteria: Ambry Variant Classification Scheme 2023. Collection method: clinical testing. Allele origin: germline.
Comment: The c.454_457delCAGA pathogenic mutation, located in coding exon 4 of the CDH1 gene, results from a deletion of 4 nucleotides at nucleotide positions 454 to 457, causing a translational frameshift with a predicted alternate stop codon (p.Q152Rfs*62). This variant is considered to be rare based on population cohorts in the Genome Aggregation Database (gnomAD). This alteration is expected to result in loss of function by premature protein truncation or nonsense-mediated mRNA decay. As such, this alteration is interpreted as a disease-causing mutation.